The following is an entry in ClinVar:

NM_001283009.2(RTEL1):c.67G>A (p.Glu23Lys)

Genes: RTEL1 (regulator of telomere elongation helicase 1; plus strand), RTEL1-TNFRSF6B (RTEL1-TNFRSF6B readthrough (NMD candidate); plus strand). Cytogenetic location: 20q13.33.
Variant type: single nucleotide variant.
Coding change: c.67G>A on transcript NM_001283009.2 (MANE Select); coding-DNA position 67, G replaced by A.
Protein change: p.Glu23Lys; replaces glutamic acid 23 with lysine.
Molecular consequence: missense variant. On other transcripts: non-coding transcript variant (1), intron variant (1).
Genome position (GRCh38, 1-based): chr20:63,659,469, G>A. VCF-style: chr20-63659469-G-A. GRCh37 (hg19) VCF-style: chr20-62290822-G-A.
Other names: c.67G>A, p.Glu23Lys (NM_016434.4, NM_032957.5); c.-568+1010G>A (NM_001283010.1); short protein forms E23K.
Identifiers: ClinVar variation 3761935 (VCV003761935.3).

ClinVar aggregate classification (germline): Uncertain significance. Review status: criteria provided, multiple submitters, no conflicts (2 of 4 stars). 2 submissions from 2 submitters: Uncertain significance (2). Last evaluated 2025-12-07.

Conditions:
Dyskeratosis congenita, autosomal recessive 5 (DKCB5). Identifiers: MedGen C3554656, MONDO:0014076, OMIM 615190.
Pulmonary fibrosis and/or bone marrow failure, Telomere-related, 3. Also called: PULMONARY FIBROSIS AND/OR BONE MARROW FAILURE SYNDROME, TELOMERE-RELATED, 3. Identifiers: Orphanet 2032, MedGen C4225346, MONDO:0014613, OMIM 616373.
Inborn genetic diseases. Identifiers: MedGen C0950123, MeSH D030342.

gnomAD v4.1: 4 of 1,614,154 alleles (0.00025%); highest among the groups gnomAD compares: South Asian, 0.0011%; no homozygotes.

Submissions (2):

Ambry Genetics
Classification: Uncertain significance for Inborn genetic diseases. Last evaluated: 2025-12-07. Review status: criteria provided, single submitter. Criteria: Ambry Variant Classification Scheme 2023. Collection method: clinical testing. Allele origin: germline.
Comment: The p.E23K variant (also known as c.67G>A), located in coding exon 1 of the RTEL1 gene, results from a G to A substitution at nucleotide position 67. The glutamic acid at codon 23 is replaced by lysine, an amino acid with similar properties. This amino acid position is conserved. In addition, the in silico prediction for this alteration is inconclusive. Based on the available evidence, the clinical significance of this variant remains unclear.

Labcorp Genetics (formerly Invitae), Labcorp
Classification: Uncertain significance for Dyskeratosis congenita, autosomal recessive 5; Pulmonary fibrosis and/or bone marrow failure, Telomere-related, 3. Last evaluated: 2024-05-07. Review status: criteria provided, single submitter. Criteria: Invitae Variant Classification Sherloc (09022015). Collection method: clinical testing. Allele origin: germline.
Comment: This sequence change replaces glutamic acid, which is acidic and polar, with lysine, which is basic and polar, at codon 23 of the RTEL1 protein (p.Glu23Lys). This variant is present in population databases (no rsID available, gnomAD 0.003%). This variant has not been reported in the literature in individuals affected with RTEL1-related conditions. An algorithm developed to predict the effect of missense changes on protein structure and function (PolyPhen-2) suggests that this variant is likely to be tolerated. In summary, the available evidence is currently insufficient to determine the role of this variant in disease. Therefore, it has been classified as a Variant of Uncertain Significance.